The following is an entry in ClinVar:

NM_014233.4(UBTF):c.2003G>A (p.Arg668Gln)

Genes: ATXN7L3-AS1 (ATXN7L3 antisense RNA 1; plus strand), UBTF (upstream binding transcription factor; minus strand). Cytogenetic location: 17q21.31.
Variant type: single nucleotide variant.
Coding change: c.2003G>A on transcript NM_014233.4 (MANE Select); coding-DNA position 2003, G replaced by A.
Protein change: p.Arg668Gln; replaces arginine 668 with glutamine.
Molecular consequence: missense variant. On other transcripts: non-coding transcript variant (1).
Genome position (GRCh38, 1-based): chr17:44,207,721, C>T on the plus strand (G>A on the coding strand, the complement: UBTF is on the minus strand). VCF-style: chr17-44207721-C-T. GRCh37 (hg19) VCF-style: chr17-42285089-C-T.
Other names: c.1892G>A, p.Arg631Gln (NM_001076683.2, NM_001076684.3); short protein forms R631Q, R668Q.
Identifiers: ClinVar variation 3340057 (VCV003340057.1).

ClinVar aggregate classification (germline): Uncertain significance (1 of 4 stars; one submission).

gnomAD v4.1: 7 of 1,614,040 alleles (0.00043%); highest among the groups gnomAD compares: East Asian, 0.0045%; no homozygotes.

Submission:

Women's Health and Genetics/Laboratory Corporation of America, LabCorp
Classification: Uncertain significance. Last evaluated: 2024-06-14. Review status: criteria provided, single submitter. Criteria: LabCorp Variant Classification Summary - May 2015. Collection method: clinical testing. Allele origin: germline.
Comment: Variant summary: UBTF c.2003G>A (p.Arg668Gln) results in a conservative amino acid change in the encoded protein sequence. Three of five in-silico tools predict a benign effect of the variant on protein function. The variant allele was found at a frequency of 1.6e-05 in 251490 control chromosomes. The available data on variant occurrences in the general population are insufficient to allow any conclusion about variant significance. To our knowledge, no occurrence of c.2003G>A in individuals affected with Childhood-Onset Motor And Cognitive Regression Syndrome With Extrapyramidal Movement Disorder and no experimental evidence demonstrating its impact on protein function have been reported. No submitters have cited clinical-significance assessments for this variant to ClinVar. Based on the evidence outlined above, the variant was classified as uncertain significance.